The following is an entry in ClinVar:

NM_006466.4(POLR3F):c.874-15T>C

Gene: POLR3F (RNA polymerase III subunit F; plus strand). Cytogenetic location: 20p11.23.
Variant type: single nucleotide variant.
Coding change: c.874-15T>C on transcript NM_006466.4 (MANE Select); 15 bases into the intron before coding-DNA position 874, T replaced by C.
Molecular consequence: intron variant.
Genome position (GRCh38, 1-based): chr20:18,483,466, T>C. VCF-style: chr20-18483466-T-C. GRCh37 (hg19) VCF-style: chr20-18464110-T-C.
Other names: c.751-15T>C (NM_001282526.2).
Identifiers: ClinVar variation 1921890 (VCV001921890.7), dbSNP rs3827965, ClinGen allele CA9777648.

ClinVar aggregate classification (germline): Benign. Review status: criteria provided, multiple submitters, no conflicts (2 of 4 stars). 2 submissions from 2 submitters: Benign (2). Last evaluated 2026-02-04.

Allele frequency attached by ClinVar (database versions not stated): TOPMed 0.81356; 1000 Genomes Project 30x 0.81933; 1000 Genomes Project 0.81949; ESP Exome Variant Server 0.83016.
gnomAD v4.1: 1,085,965 of 1,266,752 alleles (86%); highest among the groups gnomAD compares: South Asian, 90%; 467,084 homozygotes.

Submissions (2):

Labcorp Genetics (formerly Invitae), Labcorp
Classification: Benign. Last evaluated: 2026-02-04. Review status: criteria provided, single submitter. Criteria: Invitae Variant Classification Sherloc (09022015). Collection method: clinical testing. Allele origin: germline.

Unidad de Genómica Garrahan, Hospital de Pediatría Garrahan
Classification: Benign. Last evaluated: 2024-01-24. Review status: criteria provided, single submitter. Criteria: ACMG Guidelines, 2015. Collection method: clinical testing. Allele origin: germline. Affected: no. Observed: 91 variant alleles.
Comment: This variant is classified as Benign based on local population frequency. This variant was detected in 96% of patients studied by a panel of primary immunodeficiencies. Number of patients: 91. Only high quality variants are reported.